The following is an entry in ClinVar:

NM_001365276.2(TNXB):c.2839A>T (p.Thr947Ser)

Gene: TNXB (tenascin XB; minus strand). Cytogenetic location: 6p21.33.
Variant type: single nucleotide variant.
Coding change: c.2839A>T on transcript NM_001365276.2 (MANE Select); coding-DNA position 2839, A replaced by T.
Protein change: p.Thr947Ser; replaces threonine 947 with serine.
Molecular consequence: missense variant.
Genome position (GRCh38, 1-based): chr6:32,086,059, T>A on the plus strand (A>T on the coding strand, the complement: TNXB is on the minus strand). VCF-style: chr6-32086059-T-A. GRCh37 (hg19) VCF-style: chr6-32053836-T-A.
Other names: c.2839A>T, p.Thr947Ser (NM_019105.8); short protein forms T947S.
Identifiers: ClinVar variation 2624728 (VCV002624728.2), dbSNP rs2483702893, ClinGen allele CA363450700.

ClinVar aggregate classification (germline): Uncertain significance (1 of 4 stars; one submission).

Conditions:
Cardiovascular phenotype. Identifiers: MedGen CN230736.

Submission:

Ambry Genetics
Classification: Uncertain significance for Cardiovascular phenotype. Last evaluated: 2023-07-23. Review status: criteria provided, single submitter. Criteria: Ambry Variant Classification Scheme 2023. Collection method: clinical testing. Allele origin: germline.
Comment: The p.T947S variant (also known as c.2839A>T), located in coding exon 6 of the TNXB gene, results from an A to T substitution at nucleotide position 2839. The threonine at codon 947 is replaced by serine, an amino acid with similar properties. This amino acid position is conserved. In addition, this alteration is predicted to be tolerated by in silico analysis. Since supporting evidence is limited at this time, the clinical significance of this alteration remains unclear.